The following is an entry in ClinVar:

ClinVar aggregate classification (germline): Uncertain significance (1 of 4 stars; one submission).

gnomAD v4.1: 2 of 1,614,226 alleles (0.00012%); highest among the groups gnomAD compares: South Asian, 0.0022%; no homozygotes.

Submission:

GeneDx
Classification: Uncertain significance. Last evaluated: 2019-07-25. Review status: criteria provided, single submitter. Criteria: GeneDx Variant Classification Process June 2021. Collection method: clinical testing. Allele origin: germline. Affected: yes.
Comment: In silico analysis, which includes protein predictors and evolutionary conservation, supports that this variant does not alter protein structure/function; Has not been previously published as pathogenic or benign to our knowledge

NM_000368.5(TSC1):c.770T>C (p.Ile257Thr)

Gene: TSC1 (TSC complex subunit 1; minus strand). Cytogenetic location: 9q34.13.
Variant type: single nucleotide variant.
Coding change: c.770T>C on transcript NM_000368.5 (MANE Select); coding-DNA position 770, T replaced by C.
Protein change: p.Ile257Thr; replaces isoleucine 257 with threonine.
Molecular consequence: missense variant.
Genome position (GRCh38, 1-based): chr9:132,912,425, A>G on the plus strand (T>C on the coding strand, the complement: TSC1 is on the minus strand). VCF-style: chr9-132912425-A-G. GRCh37 (hg19) VCF-style: chr9-135787812-A-G.
Other names: c.770T>C, p.Ile257Thr (NM_001162426.2); c.617T>C, p.Ile206Thr (NM_001162427.2); c.407T>C, p.Ile136Thr (NM_001362177.2); short protein forms I136T, I206T, I257T.
Identifiers: ClinVar variation 1304806 (VCV001304806.2), dbSNP rs745640752, ClinGen allele CA038867.